The following is an entry in ClinVar:

ClinVar aggregate classification (germline): Uncertain significance. Review status: criteria provided, multiple submitters, no conflicts (2 of 4 stars). 2 submissions from 2 submitters: Uncertain significance (2). Last evaluated 2023-01-26.

Conditions:
Inborn genetic diseases. Identifiers: MedGen C0950123, MeSH D030342.

Submissions (2):

Ambry Genetics
Classification: Uncertain significance for Inborn genetic diseases. Last evaluated: 2023-01-26. Review status: criteria provided, single submitter. Criteria: Ambry Variant Classification Scheme 2023. Collection method: clinical testing. Allele origin: germline.

Labcorp Genetics (formerly Invitae), Labcorp
Classification: Uncertain significance. Last evaluated: 2022-02-10. Review status: criteria provided, single submitter. Criteria: Invitae Variant Classification Sherloc (09022015). Collection method: clinical testing. Allele origin: germline.
Comment: This sequence change replaces glycine, which is neutral and non-polar, with valine, which is neutral and non-polar, at codon 791 of the ERCC6 protein (p.Gly791Val). This variant is not present in population databases (gnomAD no frequency). This variant has not been reported in the literature in individuals affected with ERCC6-related conditions. Algorithms developed to predict the effect of missense changes on protein structure and function (SIFT, PolyPhen-2, Align-GVGD) all suggest that this variant is likely to be disruptive. In summary, the available evidence is currently insufficient to determine the role of this variant in disease. Therefore, it has been classified as a Variant of Uncertain Significance.

NM_000124.4(ERCC6):c.2372G>T (p.Gly791Val)

Gene: ERCC6 (ERCC excision repair 6, chromatin remodeling factor; minus strand). Cytogenetic location: 10q11.23.
Variant type: single nucleotide variant.
Coding change: c.2372G>T on transcript NM_000124.4 (MANE Select); coding-DNA position 2372, G replaced by T.
Protein change: p.Gly791Val; replaces glycine 791 with valine.
Molecular consequence: missense variant.
Genome position (GRCh38, 1-based): chr10:49,476,225, C>A on the plus strand (G>T on the coding strand, the complement: ERCC6 is on the minus strand). VCF-style: chr10-49476225-C-A. GRCh37 (hg19) VCF-style: chr10-50684271-C-A.
Other names: c.2372G>T, p.Gly791Val (NM_001346440.2); short protein forms G791V.
Identifiers: ClinVar variation 1963179 (VCV001963179.4), dbSNP rs2132544234, ClinGen allele CA376722328.